The following is an entry in ClinVar:

NM_206933.4(USH2A):c.4074_4078del (p.Glu1359fs)

Genes: USH2A (usherin; minus strand), USH2A-AS1 (USH2A antisense RNA 1; plus strand). Cytogenetic location: 1q41.
Variant type: Deletion.
Coding change: c.4074_4078del on transcript NM_206933.4 (MANE Select); coding-DNA positions 4074 to 4078, 5 bases deleted (AGAAT; older notation c.4074_4078delAGAAT).
Protein change: p.Glu1359fs; shifts the reading frame from glutamic acid 1359.
Molecular consequence: frameshift variant.
Genome position (GRCh38, 1-based): chr1:216,198,318-216,198,322, ATTCT deleted on the plus strand (AGAAT on the coding strand, the reverse complement: USH2A is on the minus strand). VCF-style (leftmost placement, unchanged base first): chr1-216198317-GATTCT-G. GRCh37 (hg19) VCF-style: chr1-216371659-GATTCT-G.
Other names: c.4074_4078del, p.Glu1359fs (NM_007123.6); short protein forms E1359fs.
Identifiers: ClinVar variation 1405431 (VCV001405431.6), dbSNP rs2102463707, ClinGen allele CA2573132005.
Genomic context (GRCh38, chr1:216,198,317, plus strand): 5'-TGAGGAAACATTTGCATTCAGAGGTTTTAAAAGTAGAATTTAAAACATTGATCTTTACCT[GATTCT>G]CCCGTTCTTTCTGAGACCCAGGCAGAAGACACACTTCCAGCCATATTCACAGCTAAGACT-3'

ClinVar aggregate classification (germline): Pathogenic (1 of 4 stars; one submission).

Submission:

Labcorp Genetics (formerly Invitae), Labcorp
Classification: Pathogenic. Last evaluated: 2021-04-05. Review status: criteria provided, single submitter. Criteria: Invitae Variant Classification Sherloc (09022015). Collection method: clinical testing. Allele origin: germline.
Comment: For these reasons, this variant has been classified as Pathogenic. This variant has not been reported in the literature in individuals with USH2A-related conditions. This variant is not present in population databases (ExAC no frequency). This sequence change creates a premature translational stop signal (p.Glu1359Serfs*28) in the USH2A gene. It is expected to result in an absent or disrupted protein product. Loss-of-function variants in USH2A are known to be pathogenic (PMID: 10729113, 10909849, 20507924, 25649381).

Literature cited by the submitters: PubMed 10729113; PubMed 10909849; PubMed 20507924; PubMed 25649381.